The following is an entry in ClinVar:

NM_012470.4(TNPO3):c.1899G>A (p.Pro633=)

Gene: TNPO3 (transportin 3; minus strand). Cytogenetic location: 7q32.1.
Variant type: single nucleotide variant.
Coding change: c.1899G>A on transcript NM_012470.4 (MANE Select); coding-DNA position 1899, G replaced by A.
Protein change: p.Pro633=; no amino-acid change (proline 633 retained).
Molecular consequence: synonymous variant. On other transcripts: non-coding transcript variant (14).
Genome position (GRCh38, 1-based): chr7:128,979,992, C>T on the plus strand (G>A on the coding strand, the complement: TNPO3 is on the minus strand). VCF-style: chr7-128979992-C-T. GRCh37 (hg19) VCF-style: chr7-128620046-C-T.
Other names: c.1707G>A, p.Pro569= (NM_001191028.3, NM_001382223.1); c.2001G>A, p.Pro667= (NM_001382216.1); c.1980G>A, p.Pro660= (NM_001382217.1); c.1899G>A, p.Pro633= (NM_001382218.1, NM_001382220.1); c.1791G>A, p.Pro597= (NM_001382219.1); c.1755G>A, p.Pro585= (NM_001382221.1); c.1752G>A, p.Pro584= (NM_001382222.1).
Identifiers: ClinVar variation 509370 (VCV000509370.1), dbSNP rs747905488, ClinGen allele CA4478026.

ClinVar aggregate classification (germline): Likely benign (1 of 4 stars; one submission).

Allele frequency attached by ClinVar (database versions not stated): gnomAD 0.00001; gnomAD exomes 0.00001 and 0.00002; ExAC 0.00003; TOPMed 0.00003.
gnomAD v4.1: 11 of 1,614,056 alleles (0.00068%); highest among the groups gnomAD compares: East Asian, 0.0022%; no homozygotes.

Submission:

GeneDx
Classification: Likely benign. Last evaluated: 2017-05-05. Review status: criteria provided, single submitter. Criteria: GeneDx Variant Classification (06012015). Collection method: clinical testing. Allele origin: germline. Affected: yes.
Comment: This variant is considered likely benign or benign based on one or more of the following criteria: it is a conservative change, it occurs at a poorly conserved position in the protein, it is predicted to be benign by multiple in silico algorithms, and/or has population frequency not consistent with disease.